The following is an entry in ClinVar:

ClinVar aggregate classification (germline): Uncertain significance. Review status: criteria provided, multiple submitters, no conflicts (2 of 4 stars). 5 submissions from 5 submitters: Uncertain significance (4). 1 of the submissions does not count toward it. Last evaluated 2025-05-23.

Conditions:
Agenesis of the corpus callosum with peripheral neuropathy (ACCPN). Also called: POLYNEUROPATHY, SENSORIMOTOR, WITH OR WITHOUT AGENESIS OF THE CORPUS CALLOSUM; HMSN/ACC; CHARLEVOIX DISEASE; Hereditary Motor and Sensory Neuropathy with Agenesis of the Corpus Callosum. Identifiers: Orphanet 1496, MedGen C0795950, MONDO:0000902, OMIM 218000. Disease mechanism: loss of function.

Submissions (5):

Labcorp Genetics (formerly Invitae), Labcorp
Classification: Uncertain significance. Last evaluated: 2025-05-23. Review status: criteria provided, single submitter. Criteria: Invitae Variant Classification Sherloc (09022015). Collection method: clinical testing. Allele origin: germline.
Comment: This variant, c.320_322del, results in the deletion of 1 amino acid(s) of the SLC12A6 protein (p.Asp107del), but otherwise preserves the integrity of the reading frame. This variant is present in population databases (rs758672590, gnomAD 0.007%). This variant has not been reported in the literature in individuals affected with SLC12A6-related conditions. ClinVar contains an entry for this variant (Variation ID: 432227). Experimental studies and prediction algorithms are not available or were not evaluated, and the functional significance of this variant is currently unknown. In summary, the available evidence is currently insufficient to determine the role of this variant in disease. Therefore, it has been classified as a Variant of Uncertain Significance.

GeneDx
Classification: Uncertain significance. Last evaluated: 2024-09-15. Review status: criteria provided, single submitter. Criteria: GeneDx Variant Classification Process June 2021. Collection method: clinical testing. Allele origin: germline. Affected: yes.
Comment: In-frame deletion of 1 amino acid in a non-repeat region; In silico analysis supports a deleterious effect on protein structure/function; Has not been previously published as pathogenic or benign to our knowledge

Mayo Clinic Laboratories, Mayo Clinic
Classification: Uncertain significance. Last evaluated: 2024-07-02. Review status: criteria provided, single submitter. Criteria: ACMG Guidelines, 2015. Collection method: clinical testing. Allele origin: germline. Observed: 1 variant allele.
Comment: PM4

Institute for Clinical Genetics, University Hospital TU Dresden, University Hospital TU Dresden
Classification: Uncertain significance. Last evaluated: 2023-05-24. Review status: criteria provided, single submitter. Criteria: ACMG Guidelines, 2015. Collection method: clinical testing. Allele origin: germline.
Comment: PM4_SUP, PM2_SUP

Natera, Inc.
Classification: Uncertain significance for Andermann syndrome. Last evaluated: 2019-11-11. Review status: no assertion criteria provided. Collection method: clinical testing. Allele origin: germline. Not counted in ClinVar's aggregate classification.

NM_133647.2(SLC12A6):c.320_322del

Gene: SLC12A6 (solute carrier family 12 member 6; minus strand). Cytogenetic location: 15q14.
Variant type: Microsatellite.
Coding change: c.320_322del on transcript NM_133647.2; coding-DNA positions 320 to 322, 3 bases deleted (ACG; older notation c.320_322delACG).
Molecular consequence: splice acceptor variant.
Genome position (GRCh38, 1-based): chr15:34,261,015-34,261,017, CGT deleted on the plus strand (ACG on the coding strand, the reverse complement: SLC12A6 is on the minus strand); deleting any 3 consecutive bases within chr15:34,261,015-34,261,021 gives the same sequence; the c. name uses the placement nearest the transcript's 3' end. VCF-style (leftmost placement, unchanged base first): chr15-34261014-CCGT-C. GRCh37 (hg19) VCF-style: chr15-34553215-CCGT-C.
Other names: p.Asp107del; c.320_322del (NM_133647.1).
Identifiers: ClinVar variation 432227 (VCV000432227.12), dbSNP rs758672590, ClinGen allele CA7464590.
Genomic context (GRCh38, chr15:34,261,014, plus strand): 5'-TATTCATCTCCTTCTTCATAATTGGAATTATTGAGATAAGCATTTCGAGCTTTCTTATGT[CCGT>C]CGTCTGGAAAAAAAAAAGTAGACCAAGTTAGTTTCTCACTGGTTTCTGACGAAGAAACAT-3'